The following is an entry in ClinVar:

ClinVar aggregate classification (germline): Pathogenic/Likely pathogenic. Review status: criteria provided, multiple submitters, no conflicts (2 of 4 stars). 2 submissions from 2 submitters: Pathogenic (1); Likely pathogenic (1). Last evaluated 2025-12-02.

Conditions:
Familial infantile myasthenia (CMS6). Also called: Congenital myasthenic syndrome type 6; MYASTHENIC SYNDROME, PRESYNAPTIC, CONGENITAL, ASSOCIATED WITH EPISODIC APNEA; MYASTHENIC SYNDROME, CONGENITAL, 6, PRESYNAPTIC. Identifiers: Orphanet 590, MedGen C0393929, MONDO:0009689, OMIM 254210.

gnomAD v4.1: 9 of 1,613,852 alleles (0.00056%); highest among the groups gnomAD compares: Non-Finnish European, 0.00076%; no homozygotes.

Submissions (2):

Labcorp Genetics (formerly Invitae), Labcorp
Classification: Pathogenic for Familial infantile myasthenia. Last evaluated: 2025-12-02. Review status: criteria provided, single submitter. Criteria: Invitae Variant Classification Sherloc (09022015). Collection method: clinical testing. Allele origin: germline.
Comment: This sequence change creates a premature translational stop signal (p.Gln463*) in the CHAT gene. It is expected to result in an absent or disrupted protein product. Loss-of-function variants in CHAT are known to be pathogenic (PMID: 12548525, 21786365, 23292760). This variant is present in population databases (no rsID available, gnomAD 0.0009%). This variant has not been reported in the literature in individuals affected with CHAT-related conditions. ClinVar contains an entry for this variant (Variation ID: 1991517). For these reasons, this variant has been classified as Pathogenic.

Baylor Genetics
Classification: Likely pathogenic for Familial infantile myasthenia. Last evaluated: 2023-04-28. Review status: criteria provided, single submitter. Criteria: ACMG Guidelines, 2015. Collection method: clinical testing. Allele origin: unknown.

Literature cited by the submitters: PubMed 12548525 (cited by Labcorp Genetics (formerly Invitae), Labcorp); PubMed 21786365 (cited by Labcorp Genetics (formerly Invitae), Labcorp); PubMed 23292760 (cited by Labcorp Genetics (formerly Invitae), Labcorp).

NM_020549.5(CHAT):c.1387C>T (p.Gln463Ter)

Gene: CHAT (choline O-acetyltransferase; plus strand). Cytogenetic location: 10q11.23.
Variant type: single nucleotide variant.
Coding change: c.1387C>T on transcript NM_020549.5 (MANE Select); coding-DNA position 1387, C replaced by T.
Protein change: p.Gln463Ter; replaces glutamine 463 with a stop codon.
Molecular consequence: nonsense.
Genome position (GRCh38, 1-based): chr10:49,649,512, C>T. VCF-style: chr10-49649512-C-T. GRCh37 (hg19) VCF-style: chr10-50857558-C-T.
Other names: c.1033C>T, p.Gln345Ter (NM_001142929.2, NM_001142934.2, NM_020984.4 and 2 more transcripts); c.1141C>T, p.Gln381Ter (NM_001142933.2); short protein forms Q345*, Q463*, Q381*.
Identifiers: ClinVar variation 1991517 (VCV001991517.5), dbSNP rs1296550963, ClinGen allele CA376743099.
Genomic context (GRCh38, chr10:49,649,512, plus strand): 5'-TGCCTCCCACAGCTGTCTGGCCGCAGAGCCTCAGGAGGTTGCCTCTGTGCCCGCAGGACG[C>T]AGAGCAGCAGGAAGCTGATCCGAGCAGACTCCGTCAGCGAGCTCCCCGCCCCCCGGAGGC-3'